The following is an entry in ClinVar:

NM_014915.3(ANKRD26):c.91G>T (p.Gly31Trp)

Genes: ANKRD26 (ankyrin repeat domain containing 26; minus strand), LOC130003554 (ATAC-STARR-seq lymphoblastoid silent region 2243; plus strand). Cytogenetic location: 10p12.1.
Variant type: single nucleotide variant.
Coding change: c.91G>T on transcript NM_014915.3 (MANE Select); coding-DNA position 91, G replaced by T.
Protein change: p.Gly31Trp; replaces glycine 31 with tryptophan.
Molecular consequence: missense variant.
Genome position (GRCh38, 1-based): chr10:27,100,236, C>A on the plus strand (G>T on the coding strand, the complement: ANKRD26 is on the minus strand). VCF-style: chr10-27100236-C-A. GRCh37 (hg19) VCF-style: chr10-27389165-C-A.
Other names: c.91G>T, p.Gly31Trp (NM_001256053.2); short protein forms G31W.
Identifiers: ClinVar variation 3397364 (VCV003397364.1).

ClinVar aggregate classification (germline): Uncertain significance (1 of 4 stars; one submission).

Conditions:
Inborn genetic diseases. Identifiers: MedGen C0950123, MeSH D030342.

Submission:

Ambry Genetics
Classification: Uncertain significance for Inborn genetic diseases. Last evaluated: 2024-12-09. Review status: criteria provided, single submitter. Criteria: Ambry Variant Classification Scheme 2023. Collection method: clinical testing. Allele origin: germline.
Comment: The p.G31W variant (also known as c.91G>T), located in coding exon 1 of the ANKRD26 gene, results from a G to T substitution at nucleotide position 91. The glycine at codon 31 is replaced by tryptophan, an amino acid with highly dissimilar properties. This amino acid position is conserved. In addition, this alteration is predicted to be tolerated by in silico analysis. Based on the available evidence, the clinical significance of this variant remains unclear.